The following is an entry in ClinVar:

ClinVar aggregate classification (germline): Uncertain significance (1 of 4 stars; one submission).

Conditions:
Spastic paraplegia. Identifiers: MedGen C0037772, HP:0001258.

Submission:

Labcorp Genetics (formerly Invitae), Labcorp
Classification: Uncertain significance for Spastic paraplegia. Last evaluated: 2024-01-02. Review status: criteria provided, single submitter. Criteria: Invitae Variant Classification Sherloc (09022015). Collection method: clinical testing. Allele origin: germline.
Comment: This sequence change replaces serine, which is neutral and polar, with cysteine, which is neutral and slightly polar, at codon 4145 of the SACS protein (p.Ser4145Cys). This variant is not present in population databases (gnomAD no frequency). This variant has not been reported in the literature in individuals affected with SACS-related conditions. Advanced modeling of protein sequence and biophysical properties (such as structural, functional, and spatial information, amino acid conservation, physicochemical variation, residue mobility, and thermodynamic stability) performed at Invitae indicates that this missense variant is not expected to disrupt SACS protein function with a negative predictive value of 95%. In summary, the available evidence is currently insufficient to determine the role of this variant in disease. Therefore, it has been classified as a Variant of Uncertain Significance.

NM_014363.6(SACS):c.12434C>G (p.Ser4145Cys)

Gene: SACS (sacsin molecular chaperone; minus strand). Cytogenetic location: 13q12.12.
Variant type: single nucleotide variant.
Coding change: c.12434C>G on transcript NM_014363.6 (MANE Select); coding-DNA position 12434, C replaced by G.
Protein change: p.Ser4145Cys; replaces serine 4145 with cysteine.
Molecular consequence: missense variant.
Genome position (GRCh38, 1-based): chr13:23,331,442, G>C on the plus strand (C>G on the coding strand, the complement: SACS is on the minus strand). VCF-style: chr13-23331442-G-C. GRCh37 (hg19) VCF-style: chr13-23905581-G-C.
Other names: c.11993C>G, p.Ser3998Cys (NM_001278055.2); short protein forms S3998C, S4145C.
Identifiers: ClinVar variation 2899592 (VCV002899592.3), dbSNP rs1380249932, ClinGen allele CA387507748.